The following is an entry in ClinVar:

NM_023036.6(DNAI2):c.1660G>C (p.Asp554His)

Gene: DNAI2 (dynein axonemal intermediate chain 2; plus strand). Cytogenetic location: 17q25.1.
Variant type: single nucleotide variant.
Coding change: c.1660G>C on transcript NM_023036.6 (MANE Select); coding-DNA position 1660, G replaced by C.
Protein change: p.Asp554His; replaces aspartic acid 554 with histidine.
Molecular consequence: missense variant.
Genome position (GRCh38, 1-based): chr17:74,312,168, G>C. VCF-style: chr17-74312168-G-C. GRCh37 (hg19) VCF-style: chr17-72308307-G-C.
Other names: c.1624G>C, p.Asp542His (NM_001172810.3); c.1660G>C, p.Asp554His (NM_001353167.2); short protein forms D554H, D542H.
Identifiers: ClinVar variation 408969 (VCV000408969.10), dbSNP rs117932646, ClinGen allele CA16615682.

ClinVar aggregate classification (germline): Uncertain significance (1 of 4 stars; one submission).

Conditions:
Primary ciliary dyskinesia. Also called: Ciliary dyskinesia. Identifiers: Orphanet 244, MedGen C0008780, MONDO:0016575, HP:0012265.

Submission:

Labcorp Genetics (formerly Invitae), Labcorp
Classification: Uncertain significance for Primary ciliary dyskinesia. Last evaluated: 2018-08-30. Review status: criteria provided, single submitter. Criteria: Invitae Variant Classification Sherloc (09022015). Collection method: clinical testing. Allele origin: germline.
Comment: This sequence change replaces aspartic acid with histidine at codon 554 of the DNAI2 protein (p.Asp554His). The aspartic acid residue is weakly conserved and there is a moderate physicochemical difference between aspartic acid and histidine. In summary, this variant is a novel missense change with uncertain impact on protein function. It has been classified as a Variant of Uncertain Significance. Algorithms developed to predict the effect of missense changes on protein structure and function do not agree on the potential impact of this missense change (SIFT: "Tolerated"; PolyPhen-2: "Possibly Damaging"; Align-GVGD: "Class C0"). This variant is not present in population databases (ExAC no frequency) and has not been reported in the literature in individuals with a DNAI2-related disease.